The following is an entry in ClinVar:

ClinVar aggregate classification (germline): Uncertain significance. Review status: criteria provided, multiple submitters, no conflicts (2 of 4 stars). 2 submissions from 2 submitters: Uncertain significance (2). Last evaluated 2025-10-16.

Allele frequency attached by ClinVar (database versions not stated): gnomAD 0.00001; TOPMed 0.00001; gnomAD exomes below 0.00001; ExAC 0.00001.

Submissions (2):

Labcorp Genetics (formerly Invitae), Labcorp
Classification: Uncertain significance. Last evaluated: 2025-10-16. Review status: criteria provided, single submitter. Criteria: Invitae Variant Classification Sherloc (09022015). Collection method: clinical testing. Allele origin: germline.
Comment: This sequence change replaces cysteine, which is neutral and slightly polar, with tyrosine, which is neutral and polar, at codon 27 of the SPP2 protein (p.Cys27Tyr). This variant is present in population databases (rs760561082, gnomAD 0.003%). This variant has not been reported in the literature in individuals affected with SPP2-related conditions. ClinVar contains an entry for this variant (Variation ID: 3169334). An algorithm developed to predict the effect of missense changes on protein structure and function (PolyPhen-2) suggests that this variant is likely to be disruptive. In summary, the available evidence is currently insufficient to determine the role of this variant in disease. Therefore, it has been classified as a Variant of Uncertain Significance.

Ambry Genetics
Classification: Uncertain significance. Last evaluated: 2023-12-26. Review status: criteria provided, single submitter. Criteria: Ambry Variant Classification Scheme 2023. Collection method: clinical testing. Allele origin: germline.

NM_006944.3(SPP2):c.80G>A (p.Cys27Tyr)

Gene: SPP2 (secreted phosphoprotein 2; plus strand). Cytogenetic location: 2q37.1.
Variant type: single nucleotide variant.
Coding change: c.80G>A on transcript NM_006944.3 (MANE Select); coding-DNA position 80, G replaced by A.
Protein change: p.Cys27Tyr; replaces cysteine 27 with tyrosine.
Molecular consequence: missense variant.
Genome position (GRCh38, 1-based): chr2:234,050,866, G>A. VCF-style: chr2-234050866-G-A. GRCh37 (hg19) VCF-style: chr2-234959510-G-A.
Other names: short protein forms C27Y.
Identifiers: ClinVar variation 3169334 (VCV003169334.2), dbSNP rs760561082, ClinGen allele CA2183051.
Genomic context (GRCh38, chr2:234,050,866, plus strand): 5'-AGATGACGATGATGATGAAGATATTGATTATGTTTGCTCTTGGAATGAACTACTGGTCTT[G>A]CTCAGGTAAGGTATTCACCAACCTGGCCACCTGCTCTGGATCATGCAGAGCCATGCTGGC-3'
Protein context (NP_008875.1, residues 17-37): MFALGMNYWS[Cys27Tyr]SGFPVYDYDP